The following is an entry in ClinVar:

NM_004706.4(ARHGEF1):c.842-7G>A

Gene: ARHGEF1 (Rho guanine nucleotide exchange factor 1; plus strand). Cytogenetic location: 19q13.2.
Variant type: single nucleotide variant.
Coding change: c.842-7G>A on transcript NM_004706.4 (MANE Select); 7 bases into the intron before coding-DNA position 842, G replaced by A.
Molecular consequence: intron variant.
Genome position (GRCh38, 1-based): chr19:41,894,619, G>A. VCF-style: chr19-41894619-G-A. GRCh37 (hg19) VCF-style: chr19-42398692-G-A.
Other names: c.743-7G>A (NM_198977.2); c.887-7G>A (NM_199002.2).
Identifiers: ClinVar variation 1165521 (VCV001165521.35), dbSNP rs149118514, ClinGen allele CA9466087.

ClinVar aggregate classification (germline): Benign/Likely benign. Review status: criteria provided, multiple submitters, no conflicts (2 of 4 stars). 4 submissions from 4 submitters: Benign (3); Likely benign (1). Last evaluated 2026-09-01.

Allele frequency attached by ClinVar (database versions not stated): 1000 Genomes Project 30x 0.00109; 1000 Genomes Project 0.00120; TOPMed 0.00337; ESP Exome Variant Server 0.00346; gnomAD 0.00355 and 0.00367; gnomAD exomes 0.00501; ExAC 0.00518.
gnomAD v4.1: 7,040 of 1,614,018 alleles (0.44%); highest among the groups gnomAD compares: Middle Eastern, 1.7%; 33 homozygotes.

Submissions (4):

CeGaT Center for Human Genetics Tuebingen
Classification: Likely benign. Last evaluated: 2026-09-01. Review status: criteria provided, single submitter. Criteria: CeGaT Center For Human Genetics Tuebingen Variant Classification Criteria Version 2. Collection method: clinical testing. Allele origin: germline. Affected: yes. Observed: 9 variant alleles.
Comment: ARHGEF1: BP4, BS2

Labcorp Genetics (formerly Invitae), Labcorp
Classification: Benign. Last evaluated: 2026-02-04. Review status: criteria provided, single submitter. Criteria: Invitae Variant Classification Sherloc (09022015). Collection method: clinical testing. Allele origin: germline.

Women's Health and Genetics/Laboratory Corporation of America, LabCorp
Classification: Benign. Last evaluated: 2026-01-28. Review status: criteria provided, single submitter. Criteria: LabCorp Variant Classification Summary - May 2015. Collection method: clinical testing. Allele origin: germline.
Comment: Variant summary: ARHGEF1 c.887-7G>A alters a conserved nucleotide located at a position not widely known to affect splicing. Consensus agreement among computation tools predict no significant impact on normal splicing. However, these predictions have yet to be confirmed by functional studies. The variant allele was found at a frequency of 0.005 in 251404 control chromosomes, predominantly at a frequency of 0.01 within the Ashkenazi Jewish subpopulation in the gnomAD database. The observed variant frequency within Ashkenazi Jewish control individuals in the gnomAD database exceeds the estimated maximal expected allele frequency for disease-causing variants in ARHGEF1. To our knowledge, no occurrence of c.887-7G>A in individuals affected with ARHGEF1-related conditions and no experimental evidence demonstrating its impact on protein function have been reported. ClinVar contains an entry for this variant (Variation ID: 1165521). Based on the evidence outlined above, the variant was classified as benign.

Breakthrough Genomics
Classification: Benign. Review status: criteria provided, single submitter. Criteria: ACMG Guidelines, 2015. Collection method: not provided. Allele origin: germline. Inheritance: Autosomal recessive inheritance. Affected: yes.